The following is an entry in ClinVar:

NM_001368894.2(PAX6):c.193G>A (p.Gly65Arg)

Gene: PAX6 (paired box 6; minus strand). Cytogenetic location: 11p13.
Variant type: single nucleotide variant.
Coding change: c.193G>A on transcript NM_001368894.2 (MANE Select); coding-DNA position 193, G replaced by A.
Protein change: p.Gly65Arg; replaces glycine 65 with arginine.
Molecular consequence: missense variant. On other transcripts: 5 prime UTR variant (14), non-coding transcript variant (2).
Genome position (GRCh38, 1-based): chr11:31,801,767, C>T on the plus strand (G>A on the coding strand, the complement: PAX6 is on the minus strand). VCF-style: chr11-31801767-C-T. GRCh37 (hg19) VCF-style: chr11-31823315-C-T.
Other names: c.151G>A, p.Gly51Arg (NM_000280.6, NM_001127612.3, NM_001258464.2 and 11 more transcripts); c.193G>A, p.Gly65Arg (NM_001258462.3, NM_001258463.2, NM_001310158.2 and 13 more transcripts); c.-589G>A (NM_001310160.2, NM_001368902.2, NM_001368905.2); c.-258G>A (NM_001310161.3, NM_001368899.2, NM_001368900.2 and 8 more transcripts); c.394G>A, p.Gly132Arg (NM_001368910.2); c.196G>A, p.Gly66Arg (NM_001368911.2); c.268G>A, p.Gly90Arg (NM_001368918.2, NM_001368919.2); c.226G>A, p.Gly76Arg (NM_001368920.2); short protein forms G51R, G90R, G132R, G65R, G66R, G76R.
Identifiers: ClinVar variation 430982 (VCV000430982.49), dbSNP rs1131692293, ClinGen allele CA379959106.

ClinVar aggregate classification (germline): Pathogenic/Likely pathogenic. Review status: criteria provided, multiple submitters, no conflicts (2 of 4 stars). 6 submissions from 6 submitters: Pathogenic (3); Likely pathogenic (1). 2 of the submissions do not count toward it. Last evaluated 2025-05-16.

Conditions:
PAX6-related disorder. Also called: PAX6-related disorders; PAX6-related condition.
Aniridia 1 (AN1). Identifiers: Orphanet 250923, MedGen C0344542, MONDO:0024507, OMIM 106210.
Irido-corneo-trabecular dysgenesis (ASGD5). Also called: ANTERIOR SEGMENT DYSGENESIS 5. Identifiers: Orphanet 708, MedGen C0344559, MONDO:0011414, OMIM 604229, HP:0000659.

Submissions (6):

GeneDx
Classification: Pathogenic. Last evaluated: 2025-05-16. Review status: criteria provided, single submitter. Criteria: GeneDx Variant Classification Process June 2021. Collection method: clinical testing. Allele origin: germline. Affected: yes.
Comment: Not observed at significant frequency in large population cohorts (gnomAD); In silico analysis supports that this missense variant has a deleterious effect on protein structure/function; This variant is associated with the following publications: (PMID: 25525159, 31700164, 28321846, 32360764, 33057194, 35982159, 38219857, 16712695, 36980880)

Labcorp Genetics (formerly Invitae), Labcorp
Classification: Pathogenic for Aniridia 1; Irido-corneo-trabecular dysgenesis. Last evaluated: 2025-05-12. Review status: criteria provided, single submitter. Criteria: Invitae Variant Classification Sherloc (09022015). Collection method: clinical testing. Allele origin: germline.
Comment: This sequence change replaces glycine, which is neutral and non-polar, with arginine, which is basic and polar, at codon 51 of the PAX6 protein (p.Gly51Arg). This variant is not present in population databases (gnomAD no frequency). This missense change has been observed in individual(s) with congenital aniridia (PMID: 28321846, 31700164, 32360764, 36980880, 38219857). In at least one individual the variant was observed to be de novo. ClinVar contains an entry for this variant (Variation ID: 430982). Invitae Evidence Modeling of protein sequence and biophysical properties (such as structural, functional, and spatial information, amino acid conservation, physicochemical variation, residue mobility, and thermodynamic stability) indicates that this missense variant is expected to disrupt PAX6 protein function with a positive predictive value of 80%. This variant disrupts the p.Gly51 amino acid residue in PAX6. Other variant(s) that disrupt this residue have been observed in individuals with PAX6-related conditions (PMID: 24281366, 31700164; internal data), which suggests that this may be a clinically significant amino acid residue. For these reasons, this variant has been classified as Pathogenic.

Blueprint Genetics
Classification: Likely pathogenic for PAX6-related disorders. Last evaluated: 2019-09-10. Review status: criteria provided, single submitter. Criteria: ACMG Guidelines, 2015. Collection method: clinical testing. Allele origin: germline. Affected: yes. Observed: 1 variant allele.

CeGaT Center for Human Genetics Tuebingen
Classification: Pathogenic. Last evaluated: 2019-07-01. Review status: criteria provided, single submitter. Criteria: CeGaT Center For Human Genetics Tuebingen Variant Classification Criteria Version 2. Collection method: clinical testing. Allele origin: germline. Affected: yes. Observed: 1 variant allele.

Wessex Regional Genetics Laboratory, Salisbury District Hospital
Classification: Pathogenic for Aniridia 1. Last evaluated: 2019-08-15. Review status: no assertion criteria provided. Criteria: ACMG Guidelines, 2015. Collection method: clinical testing. Allele origin: de novo. Inheritance: Autosomal dominant inheritance. Affected: yes. Not counted in ClinVar's aggregate classification.

Laboratory of Genetic Epidemiology, Research Centre for Medical Genetics
Classification: Pathogenic for Aniridia 1. Review status: no assertion criteria provided. Collection method: research. Allele origin: de novo. Inheritance: Autosomal dominant inheritance. Affected: yes. Observed: 1 heterozygote. Not counted in ClinVar's aggregate classification.

Literature cited by the submitters: PubMed 28321846 (cited by Labcorp Genetics (formerly Invitae), Labcorp and Laboratory of Genetic Epidemiology, Research Centre for Medical Genetics); PubMed 31700164 (cited by Labcorp Genetics (formerly Invitae), Labcorp); PubMed 32360764 (cited by Labcorp Genetics (formerly Invitae), Labcorp); PubMed 36980880 (cited by Labcorp Genetics (formerly Invitae), Labcorp); PubMed 38219857 (cited by Labcorp Genetics (formerly Invitae), Labcorp); PubMed 24281366 (cited by Labcorp Genetics (formerly Invitae), Labcorp).